The following is an entry in ClinVar:

ClinVar aggregate classification (germline): Uncertain significance (1 of 4 stars; one submission).

Conditions:
Leber congenital amaurosis 12 (LCA12). Identifiers: Orphanet 65, MedGen C1857743, MONDO:0012525, OMIM 610612.

Allele frequency attached by ClinVar (database versions not stated): gnomAD exomes below 0.00001.
gnomAD v4.1: 2 of 1,612,812 alleles (0.00012%); highest among the groups gnomAD compares: Non-Finnish European, 0.00017%; no homozygotes.

Submission:

Labcorp Genetics (formerly Invitae), Labcorp
Classification: Uncertain significance for Leber congenital amaurosis 12. Last evaluated: 2022-07-19. Review status: criteria provided, single submitter. Criteria: Invitae Variant Classification Sherloc (09022015). Collection method: clinical testing. Allele origin: germline.
Comment: Algorithms developed to predict the effect of missense changes on protein structure and function (SIFT, PolyPhen-2, Align-GVGD) all suggest that this variant is likely to be disruptive. In summary, the available evidence is currently insufficient to determine the role of this variant in disease. Therefore, it has been classified as a Variant of Uncertain Significance. This variant has not been reported in the literature in individuals affected with RD3-related conditions. This variant is not present in population databases (gnomAD no frequency). This sequence change replaces proline, which is neutral and non-polar, with serine, which is neutral and polar, at codon 161 of the RD3 protein (p.Pro161Ser).

NM_001164688.2(RD3):c.481C>T (p.Pro161Ser)

Gene: RD3 (RD3 regulator of GUCY2D; minus strand). Cytogenetic location: 1q32.3.
Variant type: single nucleotide variant.
Coding change: c.481C>T on transcript NM_001164688.2 (MANE Select); coding-DNA position 481, C replaced by T.
Protein change: p.Pro161Ser; replaces proline 161 with serine.
Molecular consequence: missense variant.
Genome position (GRCh38, 1-based): chr1:211,479,143, G>A on the plus strand (C>T on the coding strand, the complement: RD3 is on the minus strand). VCF-style: chr1-211479143-G-A. GRCh37 (hg19) VCF-style: chr1-211652485-G-A.
Other names: c.481C>T, p.Pro161Ser (NM_183059.3); short protein forms P161S.
Identifiers: ClinVar variation 2012585 (VCV002012585.4), dbSNP rs1349356435, ClinGen allele CA344878742.